The following is an entry in ClinVar:

ClinVar aggregate classification (germline): Likely pathogenic. Review status: criteria provided, single submitter (1 of 4 stars). 2 submissions from 2 submitters: Likely pathogenic (1). 1 of the submissions does not count toward it. Last evaluated 2022-08-26.

Conditions:
Alkaptonuria (AKU). Also called: Alcaptonuria; Homogentisic acidura; Alkaptonuric ochronosis; HOMOGENTISIC ACID OXIDASE DEFICIENCY. Identifiers: Orphanet 56, MedGen C0002066, MONDO:0008753, OMIM 203500.

Allele frequency attached by ClinVar (database versions not stated): gnomAD exomes below 0.00001 and 0.00001; gnomAD 0.00001; TOPMed 0.00001; 1000 Genomes Project 30x 0.00016; 1000 Genomes Project 0.00020.
gnomAD v4.1: 8 of 1,611,848 alleles (0.0005%); highest among the groups gnomAD compares: Middle Eastern, 0.017%; no homozygotes.

Submissions (2):

Laboratory for Molecular Medicine, Mass General Brigham Personalized Medicine
Classification: Likely pathogenic for Alkaptonuria. Last evaluated: 2022-08-26. Review status: criteria provided, single submitter. Criteria: ACMG Guidelines, 2015. Collection method: clinical testing. Allele origin: germline.
Comment: The p.Ser47Leu variant in HGD has been reported in 5 individuals with alkaptonuria either as homozygous or compound heterozygous with a pathogenic variant (Zatkova 2001 PMID: 11017803, Ascher 2019 PMID: 30737480), and was absent in large population databases. Computational prediction tools and conservation analysis suggest that this variant may impact the protein, though this information is not predictive enough to determine pathogenicity. In summary, although additional studies are required to fully establish its clinical significance, this variant meets criteria to be classified as likely pathogenic for autosomal recessive alkaptonuria. ACMG/AMP criteria applied: PM3_Strong, PM2_Supporting, PP3.

Department Of Human Genetics, Institute Of Clinical And Translational Research, Biomedical Research Center, Slovak Academy Of Sciences
Classification: Pathogenic for Alkaptonuria. Review status: no assertion criteria provided. Collection method: research. Allele origin: germline. Inheritance: Autosomal recessive inheritance. Affected: yes. Observed: 5 variant alleles. Not counted in ClinVar's aggregate classification.
Comment: The variant was described in AKU patients in PMID:23430897 and PMID:30737480. It has been submitted to the HGD gene mutation database (DB-ID: AKU_00010).

Literature cited by the submitters: PubMed 23430897 (cited by Department Of Human Genetics, Institute Of Clinical And Translational Research, Biomedical Research Center, Slovak Academy Of Sciences).

NM_000187.4(HGD):c.140C>T (p.Ser47Leu)

Gene: HGD (homogentisate 1,2-dioxygenase; minus strand). Cytogenetic location: 3q13.33.
Variant type: single nucleotide variant.
Coding change: c.140C>T on transcript NM_000187.4 (MANE Select); coding-DNA position 140, C replaced by T.
Protein change: p.Ser47Leu; replaces serine 47 with leucine.
Molecular consequence: missense variant.
Genome position (GRCh38, 1-based): chr3:120,674,937, G>A on the plus strand (C>T on the coding strand, the complement: HGD is on the minus strand). VCF-style: chr3-120674937-G-A. GRCh37 (hg19) VCF-style: chr3-120393784-G-A.
Other names: short protein forms S47L.
Identifiers: ClinVar variation 2626854 (VCV002626854.3), dbSNP rs369517993, ClinGen allele CA344903.